The following is an entry in ClinVar:

ClinVar aggregate classification (germline): Likely benign (0 of 4 stars; one submission).

Conditions:
MUC16-related disorder. Also called: MUC16-related condition.

Allele frequency attached by ClinVar (database versions not stated): ExAC 0.00012; 1000 Genomes Project 30x 0.00016; 1000 Genomes Project 0.00020; TOPMed 0.00041; gnomAD 0.00045.

Submission:

PreventionGenetics, part of Exact Sciences
Classification: Likely benign for MUC16-related condition. Last evaluated: 2019-08-06. Review status: no assertion criteria provided. Collection method: clinical testing. Allele origin: germline.
Comment: This variant is classified as likely benign based on ACMG/AMP sequence variant interpretation guidelines (Richards et al. 2015 PMID: 25741868, with internal and published modifications).

NM_001401501.2(MUC16):c.40836+8C>T

Gene: MUC16 (mucin 16, cell surface associated; minus strand). Cytogenetic location: 19p13.2.
Variant type: single nucleotide variant.
Coding change: c.40836+8C>T on transcript NM_001401501.2 (MANE Select); 8 bases into the intron after coding-DNA position 40836, C replaced by T.
Molecular consequence: intron variant.
Genome position (GRCh38, 1-based): chr19:8,889,463, G>A on the plus strand (C>T on the coding strand, the complement: MUC16 is on the minus strand). VCF-style: chr19-8889463-G-A. GRCh37 (hg19) VCF-style: chr19-9000139-G-A.
Other names: c.41262+8C>T (NM_001414686.1); c.40716+8C>T (NM_001414687.1); c.40610+8C>T (NM_024690.2).
Identifiers: ClinVar variation 3035291 (VCV003035291.2), dbSNP rs543165636, ClinGen allele CA9163286.